The following is an entry in ClinVar:

NM_001077365.2(POMT1):c.880G>A (p.Gly294Ser)

Gene: POMT1 (protein O-mannosyltransferase 1; plus strand). Cytogenetic location: 9q34.13.
Variant type: single nucleotide variant.
Coding change: c.880G>A on transcript NM_001077365.2 (MANE Select); coding-DNA position 880, G replaced by A.
Protein change: p.Gly294Ser; replaces glycine 294 with serine.
Molecular consequence: missense variant. On other transcripts: non-coding transcript variant (10).
Genome position (GRCh38, 1-based): chr9:131,511,361, G>A. VCF-style: chr9-131511361-G-A. GRCh37 (hg19) VCF-style: chr9-134386748-G-A.
Other names: c.718G>A, p.Gly240Ser (NM_001077366.2, NM_001353194.2, NM_001374693.1); c.880G>A, p.Gly294Ser (NM_001136113.2, NM_001374690.1); c.529G>A, p.Gly177Ser (NM_001136114.2, NM_001353195.2, NM_001374691.1 and 1 more transcripts); c.946G>A, p.Gly316Ser (NM_001353193.2, NM_007171.4); c.790G>A, p.Gly264Ser (NM_001353196.2); c.784G>A, p.Gly262Ser (NM_001353197.2, NM_001353198.2); c.595G>A, p.Gly199Ser (NM_001353199.2); c.424G>A, p.Gly142Ser (NM_001353200.2); and 2 more; short protein forms G199S, G264S, G294S, G316S, G262S, G288E, G164S, G177S.
Identifiers: ClinVar variation 1482619 (VCV001482619.7), dbSNP rs145395372, ClinGen allele CA375308346.

ClinVar aggregate classification (germline): Uncertain significance (1 of 4 stars; one submission).

Conditions:
Walker-Warburg congenital muscular dystrophy. Also called: Muscular dystrophy-dystroglycanopathy, type A; Walker-Warburg syndrome. Identifiers: Orphanet 899, MedGen C0265221, MONDO:0000171.
Autosomal recessive limb-girdle muscular dystrophy type 2K. Also called: MUSCULAR DYSTROPHY-DYSTROGLYCANOPATHY (LIMB-GIRDLE), TYPE C, 1; MUSCULAR DYSTROPHY, LIMB-GIRDLE, TYPE 2K. Identifiers: Orphanet 86812, MedGen C1836373, MONDO:0012248, OMIM 609308.
Muscular dystrophy-dystroglycanopathy (congenital with impaired intellectual development), type B, 1. Also called: Muscular dystrophy-dystroglycanopathy (congenital with intellectual disability), type B1; MUSCULAR DYSTROPHY, CONGENITAL, POMT1-RELATED. Identifiers: MedGen C5436962, MONDO:0013159, OMIM 613155.

gnomAD v4.1: 5 of 1,613,912 alleles (0.00031%); highest among the groups gnomAD compares: East Asian, 0.011%; no homozygotes.

Submission:

Labcorp Genetics (formerly Invitae), Labcorp
Classification: Uncertain significance for Muscular dystrophy-dystroglycanopathy (congenital with impaired intellectual development), type B, 1; Walker-Warburg congenital muscular dystrophy; Autosomal recessive limb-girdle muscular dystrophy type 2K. Last evaluated: 2021-06-02. Review status: criteria provided, single submitter. Criteria: Invitae Variant Classification Sherloc (09022015). Collection method: clinical testing. Allele origin: germline.
Comment: In summary, the available evidence is currently insufficient to determine the role of this variant in disease. Therefore, it has been classified as a Variant of Uncertain Significance. Algorithms developed to predict the effect of missense changes on protein structure and function (SIFT, PolyPhen-2, Align-GVGD) all suggest that this variant is likely to be disruptive, but these predictions have not been confirmed by published functional studies and their clinical significance is uncertain. This variant has not been reported in the literature in individuals with POMT1-related conditions. This variant is not present in population databases (ExAC no frequency). This sequence change replaces glycine with serine at codon 316 of the POMT1 protein (p.Gly316Ser). The glycine residue is highly conserved and there is a small physicochemical difference between glycine and serine.